The following is an entry in ClinVar:

ClinVar aggregate classification (germline): Pathogenic (1 of 4 stars; one submission).

Submission:

Labcorp Genetics (formerly Invitae), Labcorp
Classification: Pathogenic. Last evaluated: 2025-12-10. Review status: criteria provided, single submitter. Criteria: Invitae Variant Classification Sherloc (09022015). Collection method: clinical testing. Allele origin: germline.
Comment: This sequence change creates a premature translational stop signal (p.Ile1874Hisfs*13) in the ZNF469 gene. While this is not anticipated to result in nonsense mediated decay, it is expected to disrupt the last 2052 amino acid(s) of the ZNF469 protein. The frequency data for this variant in the population databases is considered unreliable, as metrics indicate poor data quality at this position in the gnomAD database. This variant has not been reported in the literature in individuals affected with ZNF469-related conditions. This variant disrupts a region of the ZNF469 protein in which other variant(s) (p.Pro3556Glnfs*136) have been determined to be pathogenic (PMID: 32671420). This suggests that this is a clinically significant region of the protein, and that variants that disrupt it are likely to be disease-causing. For these reasons, this variant has been classified as Pathogenic.

Literature cited by the submitters: PubMed 32671420.

NM_001367624.2(ZNF469):c.5703dup (p.Ile1902fs)

Gene: ZNF469 (zinc finger protein 469; plus strand). Cytogenetic location: 16q24.2.
Variant type: Duplication.
Coding change: c.5703dup on transcript NM_001367624.2 (MANE Select); coding-DNA position 5703, one base duplicated (C; older notation c.5703dupC).
Protein change: p.Ile1902fs; shifts the reading frame from isoleucine 1902.
Molecular consequence: frameshift variant.
Genome position (GRCh38, 1-based): chr16:88,433,173, C duplicated; the last of 7 consecutive C bases (chr16:88,433,167-88,433,173); duplicating any one gives the same sequence. VCF-style (leftmost placement, unchanged base first): chr16-88433166-G-GC. GRCh37 (hg19) VCF-style: chr16-88499574-G-GC.
Other names: short protein forms I1902fs.
Identifiers: ClinVar variation 4772149 (VCV004772149.1).